The following is an entry in ClinVar:

NM_012330.4(KAT6B):c.1514C>T (p.Pro505Leu)

Gene: KAT6B (lysine acetyltransferase 6B; plus strand). Cytogenetic location: 10q22.2.
Variant type: single nucleotide variant.
Coding change: c.1514C>T on transcript NM_012330.4 (MANE Select); coding-DNA position 1514, C replaced by T.
Protein change: p.Pro505Leu; replaces proline 505 with leucine.
Molecular consequence: missense variant. On other transcripts: intron variant (13).
Genome position (GRCh38, 1-based): chr10:74,975,851, C>T. VCF-style: chr10-74975851-C-T. GRCh37 (hg19) VCF-style: chr10-76735609-C-T.
Other names: c.1514C>T, p.Pro505Leu (NM_001370136.1, NM_001370137.1); c.1117+397C>T (NM_001370139.1, NM_001370140.1, NM_001370141.1 and 3 more transcripts); c.1444+70C>T (NM_001370138.1, NM_001256468.2); c.846+6076C>T (NM_001370133.1); c.193-3373C>T (NM_001370134.1); c.929-1465C>T (NM_001370143.1, NM_001370144.1); c.193-13168C>T (NM_001370135.1); short protein forms P505L.
Identifiers: ClinVar variation 4701501 (VCV004701501.1).

ClinVar aggregate classification (germline): Uncertain significance (1 of 4 stars; one submission).

Conditions:
Genitopatellar syndrome (GTPTS). Also called: ABSENT PATELLAE, SCROTAL HYPOPLASIA, RENAL ANOMALIES, FACIAL DYSMORPHISM, AND MENTAL RETARDATION; Genitopatellar syndrome (GPS). Identifiers: Orphanet 85201, MedGen C1853566, MONDO:0011640, OMIM 606170.

Submission:

Labcorp Genetics (formerly Invitae), Labcorp
Classification: Uncertain significance for Genitopatellar syndrome. Last evaluated: 2025-08-11. Review status: criteria provided, single submitter. Criteria: Invitae Variant Classification Sherloc (09022015). Collection method: clinical testing. Allele origin: germline.
Comment: This sequence change replaces proline, which is neutral and non-polar, with leucine, which is neutral and non-polar, at codon 505 of the KAT6B protein (p.Pro505Leu). This variant is not present in population databases (gnomAD no frequency). This variant has not been reported in the literature in individuals affected with KAT6B-related conditions. An algorithm developed to predict the effect of missense changes on protein structure and function (PolyPhen-2) suggests that this variant is likely to be tolerated. In summary, the available evidence is currently insufficient to determine the role of this variant in disease. Therefore, it has been classified as a Variant of Uncertain Significance.